The following is an entry in ClinVar:

NM_020338.4(ZMIZ1):c.669C>A (p.Phe223Leu)

Gene: ZMIZ1 (zinc finger MIZ-type containing 1; plus strand). Cytogenetic location: 10q22.3.
Variant type: single nucleotide variant.
Coding change: c.669C>A on transcript NM_020338.4 (MANE Select); coding-DNA position 669, C replaced by A.
Protein change: p.Phe223Leu; replaces phenylalanine 223 with leucine.
Molecular consequence: missense variant.
Genome position (GRCh38, 1-based): chr10:79,291,087, C>A. VCF-style: chr10-79291087-C-A. GRCh37 (hg19) VCF-style: chr10-81050844-C-A.
Other names: short protein forms F223L.
Identifiers: ClinVar variation 2711271 (VCV002711271.3), dbSNP rs764595026, ClinGen allele CA377332471.

ClinVar aggregate classification (germline): Uncertain significance (1 of 4 stars; one submission).

Submission:

Labcorp Genetics (formerly Invitae), Labcorp
Classification: Uncertain significance. Last evaluated: 2024-01-25. Review status: criteria provided, single submitter. Criteria: Invitae Variant Classification Sherloc (09022015). Collection method: clinical testing. Allele origin: germline.
Comment: This sequence change replaces phenylalanine, which is neutral and non-polar, with leucine, which is neutral and non-polar, at codon 223 of the ZMIZ1 protein (p.Phe223Leu). This variant is not present in population databases (gnomAD no frequency). This variant has not been reported in the literature in individuals affected with ZMIZ1-related conditions. An algorithm developed to predict the effect of missense changes on protein structure and function (PolyPhen-2) suggests that this variant is likely to be disruptive. In summary, the available evidence is currently insufficient to determine the role of this variant in disease. Therefore, it has been classified as a Variant of Uncertain Significance.